The following is an entry in ClinVar:

ClinVar aggregate classification (germline): Uncertain significance. Review status: criteria provided, multiple submitters, no conflicts (2 of 4 stars). 2 submissions from 2 submitters: Uncertain significance (2). Last evaluated 2024-02-06.

Conditions:
GRN-related frontotemporal lobar degeneration with Tdp43 inclusions (FTD2). Also called: GRN Frontotemporal Dementia; FRONTOTEMPORAL DEMENTIA WITH TDP43 INCLUSIONS, GRN-RELATED; DEMENTIA, HEREDITARY DYSPHASIC DISINHIBITION; FRONTOTEMPORAL LOBAR DEGENERATION WITH UBIQUITIN-POSITIVE INCLUSIONS; FTLD-TDP, GRN-RELATED. Identifiers: Orphanet 100070, Orphanet 282, MedGen C1843792, MONDO:0011842, OMIM 607485. Disease mechanism: loss of function.
Neuronal ceroid lipofuscinosis 11. Also called: GRN-Related Neuronal Ceroid-Lipofuscinosis. Identifiers: Orphanet 314629, Orphanet 79262, MedGen C3539123, MONDO:0013866, OMIM 614706.

gnomAD v4.1: 7 of 1,610,672 alleles (0.00043%); highest among the groups gnomAD compares: African/African-American, 0.004%; no homozygotes.

Submissions (2):

Labcorp Genetics (formerly Invitae), Labcorp
Classification: Uncertain significance for Neuronal ceroid lipofuscinosis 11; GRN-related frontotemporal lobar degeneration with Tdp43 inclusions. Last evaluated: 2024-02-06. Review status: criteria provided, single submitter. Criteria: Invitae Variant Classification Sherloc (09022015). Collection method: clinical testing. Allele origin: germline.
Comment: This sequence change replaces arginine, which is basic and polar, with histidine, which is basic and polar, at codon 564 of the GRN protein (p.Arg564His). This variant is not present in population databases (gnomAD no frequency). This missense change has been observed in individual(s) with clinical features of frontotemporal dementia (PMID: 32028661). ClinVar contains an entry for this variant (Variation ID: 1162824). Advanced modeling of protein sequence and biophysical properties (such as structural, functional, and spatial information, amino acid conservation, physicochemical variation, residue mobility, and thermodynamic stability) performed at Invitae indicates that this missense variant is not expected to disrupt GRN protein function with a negative predictive value of 80%. In summary, the available evidence is currently insufficient to determine the role of this variant in disease. Therefore, it has been classified as a Variant of Uncertain Significance.

Mayo Clinic Laboratories, Mayo Clinic
Classification: Uncertain significance. Last evaluated: 2019-05-26. Review status: criteria provided, single submitter. Criteria: ACMG Guidelines, 2015. Collection method: clinical testing. Allele origin: germline. Observed: 1 variant allele.

Literature cited by the submitters: PubMed 32028661 (cited by Labcorp Genetics (formerly Invitae), Labcorp).

NM_002087.4(GRN):c.1691G>A (p.Arg564His)

Gene: GRN (granulin precursor; plus strand). Cytogenetic location: 17q21.31.
Variant type: single nucleotide variant.
Coding change: c.1691G>A on transcript NM_002087.4 (MANE Select); coding-DNA position 1691, G replaced by A.
Protein change: p.Arg564His; replaces arginine 564 with histidine.
Molecular consequence: missense variant.
Genome position (GRCh38, 1-based): chr17:44,352,707, G>A. VCF-style: chr17-44352707-G-A. GRCh37 (hg19) VCF-style: chr17-42430075-G-A.
Other names: short protein forms R564H.
Identifiers: ClinVar variation 1162824 (VCV001162824.9), dbSNP rs971443926, ClinGen allele CA290927291.
Genomic context (GRCh38, chr17:44,352,707, plus strand): 5'-CTCTGACCATCCAGGGCGTCTGTTGTGCTGATCGGCGCCACTGCTGTCCTGCTGGCTTCC[G>A]CTGCGCAGCCAGGGGTACCAAGTGTTTGCGCAGGGAGGCCCCGCGCTGGGACGCCCCTTT-3'
Protein context (NP_002078.1, residues 554-574): DRRHCCPAGF[Arg564His]CAARGTKCLR